The following is an entry in ClinVar:

NM_001987.5(ETV6):c.884A>G (p.Asp295Gly)

Gene: ETV6 (ETS variant transcription factor 6; plus strand). Cytogenetic location: 12p13.2.
Variant type: single nucleotide variant.
Coding change: c.884A>G on transcript NM_001987.5 (MANE Select); coding-DNA position 884, A replaced by G.
Protein change: p.Asp295Gly; replaces aspartic acid 295 with glycine.
Molecular consequence: missense variant.
Genome position (GRCh38, 1-based): chr12:11,869,844, A>G. VCF-style: chr12-11869844-A-G. GRCh37 (hg19) VCF-style: chr12-12022778-A-G.
Other names: c.881A>G, p.Asp294Gly (NM_001413913.1); c.857A>G, p.Asp286Gly (NM_001413914.1); c.620A>G, p.Asp207Gly (NM_001413915.1); c.884A>G, p.Asp295Gly (NM_001413916.1, NM_001413917.1); short protein forms D207G, D286G, D294G, D295G.
Identifiers: ClinVar variation 4870675 (VCV004870675.1).
Genomic context (GRCh38, chr12:11,869,844, plus strand): 5'-ACCCTCTGATCCTGAACCCCCGGCACTCCGTGGATTTCAAACAGTCCAGGCTCTCCGAGG[A>G]CGGGCTGCATAGGGAAGGGAAGCCCATCAACCTCTCTCATCGGGAAGACCTGGCTTACAT-3'
Protein context (NP_001978.1, residues 285-305): VDFKQSRLSE[Asp295Gly]GLHREGKPIN

ClinVar aggregate classification (germline): Uncertain significance (1 of 4 stars; one submission).

Conditions:
Inborn genetic diseases. Identifiers: MedGen C0950123, MeSH D030342.

gnomAD v4.1: 1 of 1,613,402 alleles (0.000062%); highest among the groups gnomAD compares: East Asian, 0.0022%; no homozygotes.

Submission:

Ambry Genetics
Classification: Uncertain significance for Inborn genetic diseases. Last evaluated: 2026-05-14. Review status: criteria provided, single submitter. Criteria: Ambry Variant Classification Scheme 2023. Collection method: clinical testing. Allele origin: germline.
Comment: The p.D295G variant (also known as c.884A>G), located in coding exon 5 of the ETV6 gene, results from an A to G substitution at nucleotide position 884. The aspartic acid at codon 295 is replaced by glycine, an amino acid with similar properties. This amino acid position is conserved. In addition, this alteration is predicted to be tolerated by in silico analysis. Based on the available evidence, the clinical significance of this variant remains unclear.